The following is an entry in ClinVar:

ClinVar aggregate classification (germline): Uncertain significance. Review status: criteria provided, multiple submitters, no conflicts (2 of 4 stars). 3 submissions from 3 submitters: Uncertain significance (3). Last evaluated 2026-04-14.

Conditions:
Metachromatic leukodystrophy (MLD). Also called: ARSA DEFICIENCY; CEREBROSIDE SULFATASE DEFICIENCY; METACHROMATIC LEUKOENCEPHALOPATHY; SULFATIDE LIPIDOSIS; Cerebral sclerosis diffuse metachromatic form; Arylsulfatase A Deficiency. Identifiers: Orphanet 512, MedGen C0023522, MONDO:0018868, OMIM 250100.

Submissions (3):

GeneDx
Classification: Uncertain significance. Last evaluated: 2026-04-14. Review status: criteria provided, single submitter. Criteria: GeneDx Variant Classification Process June 2021. Collection method: clinical testing. Allele origin: germline.
Comment: Not observed at significant frequency in large population cohorts (gnomAD); In silico analysis suggests that this missense variant does not alter protein structure/function; Has not been previously published as pathogenic or benign to our knowledge; This variant is associated with the following publications: (PMID: 37381728)

Myriad Genetics, Inc.
Classification: Uncertain significance for Metachromatic leukodystrophy. Last evaluated: 2025-09-30. Review status: criteria provided, single submitter. Criteria: Myriad Autosomal Dominant, Autosomal Recessive and X-Linked Classification Criteria (2023). Collection method: clinical testing. Allele origin: unknown.
Comment: NM_000487.5(ARSA):c.277G>A(V93I) is a missense variant classified as a variant of uncertain significance in the context of metachromatic leukodystrophy. V93I has not been observed in cases with relevant disease. Relevant functional assessments of this variant are not available in the literature. V93I has been observed in referenced population frequency databases. In summary, there is insufficient evidence to classify NM_000487.5(ARSA):c.277G>A(V93I) as pathogenic or benign. Please note: this variant was assessed in the context of healthy population screening.

Blueprint Genetics
Classification: Uncertain significance. Last evaluated: 2024-07-16. Review status: criteria provided, single submitter. Criteria: ACMG Guidelines, 2015. Collection method: clinical testing. Allele origin: germline.

NM_000487.6(ARSA):c.277G>A (p.Val93Ile)

Gene: ARSA (arylsulfatase A; minus strand). Cytogenetic location: 22q13.33.
Variant type: single nucleotide variant.
Coding change: c.277G>A on transcript NM_000487.6 (MANE Select); coding-DNA position 277, G replaced by A.
Protein change: p.Val93Ile; replaces valine 93 with isoleucine.
Molecular consequence: missense variant.
Genome position (GRCh38, 1-based): chr22:50,627,354, C>T on the plus strand (G>A on the coding strand, the complement: ARSA is on the minus strand). VCF-style: chr22-50627354-C-T. GRCh37 (hg19) VCF-style: chr22-51065782-C-T.
Other names: c.277G>A, p.Val93Ile (NM_001085425.3, NM_001085426.3, NM_001085427.3); c.19G>A, p.Val7Ile (NM_001085428.3, NM_001362782.2); c.277G>A (NM_000487.5); short protein forms V7I, V93I.
Identifiers: ClinVar variation 4948513 (VCV004948513.3).